The following is an entry in ClinVar:

ClinVar aggregate classification (germline): Uncertain significance (1 of 4 stars; one submission).

Submission:

Labcorp Genetics (formerly Invitae), Labcorp
Classification: Uncertain significance. Last evaluated: 2024-07-26. Review status: criteria provided, single submitter. Criteria: Invitae Variant Classification Sherloc (09022015). Collection method: clinical testing. Allele origin: germline.
Comment: This sequence change creates a premature translational stop signal (p.Arg1729Thrfs*7) in the ZDBF2 gene. While this is not anticipated to result in nonsense mediated decay, it is expected to disrupt the last 626 amino acid(s) of the ZDBF2 protein. The frequency data for this variant in the population databases is considered unreliable, as metrics indicate poor data quality at this position in the gnomAD database. This variant has not been reported in the literature in individuals affected with ZDBF2-related conditions. Experimental studies and prediction algorithms are not available or were not evaluated, and the functional significance of this variant is currently unknown. In summary, the available evidence is currently insufficient to determine the role of this variant in disease. Therefore, it has been classified as a Variant of Uncertain Significance.

NM_020923.3(ZDBF2):c.5184dup (p.Arg1729fs)

Gene: ZDBF2 (zinc finger DBF-type containing 2; plus strand). Cytogenetic location: 2q33.3.
Variant type: Duplication.
Coding change: c.5184dup on transcript NM_020923.3 (MANE Select); coding-DNA position 5184, one base duplicated (A; older notation c.5184dupA).
Protein change: p.Arg1729fs; shifts the reading frame from arginine 1729.
Molecular consequence: frameshift variant.
Genome position (GRCh38, 1-based): chr2:206,309,712, A duplicated; the last of 9 consecutive A bases (chr2:206,309,704-206,309,712); duplicating any one gives the same sequence. VCF-style (leftmost placement, unchanged base first): chr2-206309703-T-TA. GRCh37 (hg19) VCF-style: chr2-207174427-T-TA.
Other names: c.5178dup, p.Arg1727fs (NM_001285549.2); c.5184dup, p.Arg1729fs (NM_001369654.1); short protein forms R1727fs, R1729fs.
Identifiers: ClinVar variation 3630963 (VCV003630963.2).
Genomic context (GRCh38, chr2:206,309,703, plus strand): 5'-TAGTGCTTCTGCAGTGGATTTTGGTGCCTCTTCCAAGTCAGCGCTCCATCGAAGGGCTGA[T>TA]AAAAAAAAACGTTCGAAGCTAAAACATAGAGATCTAGAAGTGAGCTGTGAACCGGATGGT-3'